The following is an entry in ClinVar:

ClinVar aggregate classification (germline): Uncertain significance. Review status: criteria provided, multiple submitters, no conflicts (2 of 4 stars). 2 submissions from 2 submitters: Uncertain significance (2). Last evaluated 2024-12-17.

Conditions:
Hereditary cancer-predisposing syndrome. Also called: Neoplastic Syndromes, Hereditary; Hereditary neoplastic syndrome; Hereditary Cancer Syndrome; Tumor predisposition. Identifiers: Orphanet 140162, MedGen C0027672, MeSH D009386, MONDO:0015356.
Familial meningioma. Also called: Meningioma, familial, susceptibility to. Identifiers: Orphanet 263662, MedGen C3551915, MONDO:0011789, OMIM 607174.

gnomAD v4.1: 6 of 1,566,872 alleles (0.00038%); highest among the groups gnomAD compares: Non-Finnish European, 0.00053%; no homozygotes.

Submissions (2):

Labcorp Genetics (formerly Invitae), Labcorp
Classification: Uncertain significance for Familial meningioma. Last evaluated: 2024-12-17. Review status: criteria provided, single submitter. Criteria: Invitae Variant Classification Sherloc (09022015). Collection method: clinical testing. Allele origin: germline.
Comment: This sequence change replaces asparagine, which is neutral and polar, with aspartic acid, which is acidic and polar, at codon 268 of the SMARCE1 protein (p.Asn268Asp). This variant is not present in population databases (gnomAD no frequency). This variant has not been reported in the literature in individuals affected with SMARCE1-related conditions. ClinVar contains an entry for this variant (Variation ID: 2971896). Invitae Evidence Modeling of protein sequence and biophysical properties (such as structural, functional, and spatial information, amino acid conservation, physicochemical variation, residue mobility, and thermodynamic stability) indicates that this missense variant is not expected to disrupt SMARCE1 protein function with a negative predictive value of 80%. In summary, the available evidence is currently insufficient to determine the role of this variant in disease. Therefore, it has been classified as a Variant of Uncertain Significance.

Ambry Genetics
Classification: Uncertain significance for Hereditary cancer-predisposing syndrome. Last evaluated: 2024-04-17. Review status: criteria provided, single submitter. Criteria: Ambry Variant Classification Scheme 2023. Collection method: clinical testing. Allele origin: germline.
Comment: The p.N268D variant (also known as c.802A>G), located in coding exon 8 of the SMARCE1 gene, results from an A to G substitution at nucleotide position 802. The asparagine at codon 268 is replaced by aspartic acid, an amino acid with highly similar properties. This amino acid position is conserved. In addition, this alteration is predicted to be tolerated by in silico analysis. Based on the available evidence, the clinical significance of this variant remains unclear.

NM_003079.5(SMARCE1):c.802A>G (p.Asn268Asp)

Gene: SMARCE1 (SWI/SNF related BAF chromatin remodeling complex subunit E1; minus strand). Cytogenetic location: 17q21.2.
Variant type: single nucleotide variant.
Coding change: c.802A>G on transcript NM_003079.5 (MANE Select); coding-DNA position 802, A replaced by G.
Protein change: p.Asn268Asp; replaces asparagine 268 with aspartic acid.
Molecular consequence: missense variant.
Genome position (GRCh38, 1-based): chr17:40,631,606, T>C on the plus strand (A>G on the coding strand, the complement: SMARCE1 is on the minus strand). VCF-style: chr17-40631606-T-C. GRCh37 (hg19) VCF-style: chr17-38787858-T-C.
Other names: short protein forms N268D.
Identifiers: ClinVar variation 2971896 (VCV002971896.4), dbSNP rs963534528, ClinGen allele CA399364173.